The following is an entry in ClinVar:

ClinVar aggregate classification (germline): Likely pathogenic (1 of 4 stars; one submission).

Conditions:
LZTR1-related schwannomatosis. Also called: Schwannomatosis-2, susceptibility to; Schwannomatosis 2. Identifiers: Orphanet 93921, MedGen C3810283, MONDO:0014299, OMIM 615670.

Submission:

Illumina Laboratory Services, Illumina
Classification: Likely pathogenic for LZTR1-related schwannomatosis. Last evaluated: 2023-07-27. Review status: criteria provided, single submitter. Criteria: ICSLVariantClassificationCriteria RUGD 01 April 2020. Collection method: clinical testing. Allele origin: unknown.
Comment: The LZTR1 c.1876_1883dup (p.Ile628MetfsTer27) variant causes a shift in the protein reading frame that is predicted to result in premature termination of the protein. Loss of normal protein function through either protein truncation or nonsense-mediated mRNA decay is expected. This variant is not observed in version 2.1.1 or version 3.1.2 of the Genome Aggregation Database. Based on the available evidence, the c.1876_1883dup (p.Ile628MetfsTer27) variant is classified as likely pathogenic for schwannomatosis.

NM_006767.4(LZTR1):c.1876_1883dup (p.Ile628fs)

Gene: LZTR1 (leucine zipper like post translational regulator 1; plus strand). Cytogenetic location: 22q11.21.
Variant type: Duplication.
Coding change: c.1876_1883dup on transcript NM_006767.4 (MANE Select); coding-DNA positions 1876 to 1883, 8 bases duplicated (GTGGAGAT; older notation c.1876_1883dupGTGGAGAT).
Protein change: p.Ile628fs; shifts the reading frame from isoleucine 628.
Molecular consequence: frameshift variant.
Genome position (GRCh38, 1-based): chr22:20,994,960-20,994,967, GTGGAGAT duplicated. VCF-style (leftmost placement, unchanged base first): chr22-20994959-A-AGTGGAGAT. GRCh37 (hg19) VCF-style: chr22-21349248-A-AGTGGAGAT.
Other names: short protein forms I628fs.
Identifiers: ClinVar variation 2627927 (VCV002627927.1), dbSNP rs2518622522, ClinGen allele CA2586963928.